The following is an entry in ClinVar:

NM_130839.5(UBE3A):c.1471T>G (p.Tyr491Asp)

Genes: SNHG14 (small nucleolar RNA host gene 14; plus strand), UBE3A (ubiquitin protein ligase E3A; minus strand). Cytogenetic location: 15q11.2.
Variant type: single nucleotide variant.
Coding change: c.1471T>G on transcript NM_130839.5 (MANE Select); coding-DNA position 1471, T replaced by G.
Protein change: p.Tyr491Asp; replaces tyrosine 491 with aspartic acid.
Molecular consequence: missense variant. On other transcripts: non-coding transcript variant (1), intron variant (2).
Genome position (GRCh38, 1-based): chr15:25,370,703, A>C on the plus strand (T>G on the coding strand, the complement: UBE3A is on the minus strand). VCF-style: chr15-25370703-A-C. GRCh37 (hg19) VCF-style: chr15-25615850-A-C.
Other names: c.1480T>G, p.Tyr494Asp (NM_000462.5); c.1471T>G, p.Tyr491Asp (NM_001354505.1, NM_001354538.2, NM_001354545.2); c.1411T>G, p.Tyr471Asp (NM_001354506.2, NM_001354507.2, NM_001354508.2 and 17 more transcripts); c.1294T>G, p.Tyr432Asp (NM_001354546.2); c.301+4762T>G (NM_001354551.2); c.361+4762T>G (NM_001354550.2); short protein forms Y471D, Y494D, Y491D, Y432D.
Identifiers: ClinVar variation 432241 (VCV000432241.3), dbSNP rs1555399980, ClinGen allele CA391353519.

ClinVar aggregate classification (germline): Likely pathogenic (1 of 4 stars; one submission).

Submission:

GeneDx
Classification: Likely pathogenic. Last evaluated: 2019-07-17. Review status: criteria provided, single submitter. Criteria: GeneDx Variant Classification Process June 2021. Collection method: clinical testing. Allele origin: germline. Affected: yes.
Comment: Not observed in large population cohorts (Lek et al., 2016); The majority of missense variants in this gene are considered pathogenic (Stenson et al., 2014); In silico analysis, which includes protein predictors and evolutionary conservation, supports a deleterious effect; Has not been previously published as pathogenic or benign to our knowledge